The following is an entry in ClinVar:

ClinVar aggregate classification (germline): Uncertain significance. Review status: criteria provided, multiple submitters, no conflicts (2 of 4 stars). 4 submissions from 4 submitters: Uncertain significance (4). Last evaluated 2026-01-08.

Conditions:
Hereditary cancer-predisposing syndrome. Also called: Neoplastic Syndromes, Hereditary; Tumor predisposition; Hereditary neoplastic syndrome; Hereditary Cancer Syndrome. Identifiers: Orphanet 140162, MedGen C0027672, MeSH D009386, MONDO:0015356.

Allele frequency attached by ClinVar (database versions not stated): gnomAD 0.00001; gnomAD exomes 0.00001 and below 0.00001.
gnomAD v4.1: 4 of 1,610,712 alleles (0.00025%); highest among the groups gnomAD compares: Non-Finnish European, 0.00034%; no homozygotes.

Submissions (4):

Ambry Genetics
Classification: Uncertain significance for Hereditary cancer-predisposing syndrome. Last evaluated: 2026-01-08. Review status: criteria provided, single submitter. Criteria: Ambry Variant Classification Scheme 2023. Collection method: clinical testing. Allele origin: germline.
Comment: The c.4149+3A>C intronic variant results from an A to C substitution 3 nucleotides after coding exon 32 in the POLE gene. This nucleotide position is well conserved in available vertebrate species. In silico splice site analysis predicts that this alteration will weaken the native splice donor site; however, direct evidence is insufficient at this time (Ambry internal data). Based on the available evidence, the clinical significance of this variant remains unclear.

Labcorp Genetics (formerly Invitae), Labcorp
Classification: Uncertain significance. Last evaluated: 2025-10-26. Review status: criteria provided, single submitter. Criteria: Invitae Variant Classification Sherloc (09022015). Collection method: clinical testing. Allele origin: germline.
Comment: This sequence change falls in intron 32 of the POLE gene. It does not directly change the encoded amino acid sequence of the POLE protein. RNA analysis indicates that this variant induces altered splicing and likely results in a shortened protein product. This variant is present in population databases (no rsID available, gnomAD 0.002%). This variant has not been reported in the literature in individuals affected with POLE-related conditions. ClinVar contains an entry for this variant (Variation ID: 473646). Variants that disrupt the consensus splice site are a relatively common cause of aberrant splicing (PMID: 17576681, 9536098). Studies have shown that this variant results in skipping of exon 32, but is expected to preserve the integrity of the reading-frame (internal data). In summary, the available evidence is currently insufficient to determine the role of this variant in disease. Therefore, it has been classified as a Variant of Uncertain Significance.

Center for Genomic Medicine, Rigshospitalet, Copenhagen University Hospital
Classification: Uncertain significance. Last evaluated: 2025-03-04. Review status: criteria provided, single submitter. Criteria: ACMG Guidelines, 2015. Collection method: clinical testing. Allele origin: germline.

GeneDx
Classification: Uncertain significance. Last evaluated: 2022-09-20. Review status: criteria provided, single submitter. Criteria: GeneDx Variant Classification Process June 2021. Collection method: clinical testing. Allele origin: germline. Affected: yes.
Comment: Not observed at significant frequency in large population cohorts (gnomAD); In silico analysis supports a deleterious effect on splicing; Has not been previously published as pathogenic or benign to our knowledge

Literature cited by the submitters: PubMed 17576681 (cited by Labcorp Genetics (formerly Invitae), Labcorp); PubMed 9536098 (cited by Labcorp Genetics (formerly Invitae), Labcorp); PubMed 23263490 (cited by Center for Genomic Medicine, Rigshospitalet, Copenhagen University Hospital); PubMed 26251183 (cited by Center for Genomic Medicine, Rigshospitalet, Copenhagen University Hospital).

NM_006231.4(POLE):c.4149+3A>C

Gene: POLE (DNA polymerase epsilon, catalytic subunit; minus strand). Cytogenetic location: 12q24.33.
Variant type: single nucleotide variant.
Coding change: c.4149+3A>C on transcript NM_006231.4 (MANE Select); 3 bases into the intron after coding-DNA position 4149, A replaced by C.
Molecular consequence: intron variant.
Genome position (GRCh38, 1-based): chr12:132,648,926, T>G on the plus strand (A>C on the coding strand, the complement: POLE is on the minus strand). VCF-style: chr12-132648926-T-G. GRCh37 (hg19) VCF-style: chr12-133225512-T-G.
Identifiers: ClinVar variation 473646 (VCV000473646.22), dbSNP rs1358505756, ClinGen allele CA608268279.